The following is an entry in ClinVar:

NM_001387430.1(SH2B1):c.1921C>T (p.Pro641Ser)

Gene: SH2B1 (SH2B adaptor protein 1; plus strand). Cytogenetic location: 16p11.2.
Variant type: single nucleotide variant.
Coding change: c.1921C>T on transcript NM_001387430.1 (MANE Select); coding-DNA position 1921, C replaced by T.
Protein change: p.Pro641Ser; replaces proline 641 with serine.
Molecular consequence: missense variant. On other transcripts: 3 prime UTR variant (5).
Genome position (GRCh38, 1-based): chr16:28,873,470, C>T. VCF-style: chr16-28873470-C-T. GRCh37 (hg19) VCF-style: chr16-28884791-C-T.
Other names: c.1921C>T, p.Pro641Ser (NM_001145795.2, NM_001308293.2, NM_001387404.1); c.*5C>T (NM_001145796.2, NM_001145812.2, NM_001308294.2 and 1 more transcripts); c.*22C>T (NM_001145797.2); short protein forms P641S.
Identifiers: ClinVar variation 3161118 (VCV003161118.2), dbSNP rs777834244, ClinGen allele CA7986396.
Genomic context (GRCh38, chr16:28,873,470, plus strand): 5'-TCCACAATCAGTCTGTTTTCTTACCATTCCTATCCAGAACCGACCACCTCCCATGACCCA[C>T]CCCAGCCCCCTGAACCCCCTTCATGGACAGATCCCCCACAGCCTGGGGCAGAAGAGGCGT-3'
Protein context (NP_001374359.1, residues 631-651): QQEPTTSHDP[Pro641Ser]QPPEPPSWTD

ClinVar aggregate classification (germline): Uncertain significance. Review status: criteria provided, multiple submitters, no conflicts (2 of 4 stars). 2 submissions from 2 submitters: Uncertain significance (2). Last evaluated 2026-06-16.

Conditions:
SH2B1-related disorder. Also called: SH2B1-related condition.

Allele frequency attached by ClinVar (database versions not stated): gnomAD 0.00002; gnomAD exomes 0.00002; ExAC 0.00004; TOPMed 0.00004.
gnomAD v4.1: 38 of 1,567,432 alleles (0.0024%); highest among the groups gnomAD compares: Non-Finnish European, 0.003%; no homozygotes.

Submissions (2):

PreventionGenetics, part of Exact Sciences
Classification: Uncertain significance for SH2B1-related condition. Last evaluated: 2026-06-16. Review status: criteria provided, single submitter. Criteria: ACMG Guidelines, 2015. Collection method: clinical testing. Allele origin: germline.
Comment: The SH2B1 c.1921C>T variant is predicted to result in the amino acid substitution p.Pro641Ser. To our knowledge, this variant has not been reported in the literature. This variant is reported in 0.0052% of alleles in individuals of European (Non-Finnish) descent in gnomAD. At this time, the clinical significance of this variant is uncertain due to the absence of conclusive functional and genetic evidence.

Ambry Genetics
Classification: Uncertain significance. Last evaluated: 2024-01-16. Review status: criteria provided, single submitter. Criteria: Ambry Variant Classification Scheme 2023. Collection method: clinical testing. Allele origin: germline.